The following is an entry in ClinVar:

ClinVar aggregate classification (germline): Uncertain significance (1 of 4 stars; one submission).

Conditions:
Combined deficiency of sialidase AND beta galactosidase (GSL). Also called: GOLDBERG SYNDROME; NEURAMINIDASE DEFICIENCY WITH BETA-GALACTOSIDASE DEFICIENCY; NEURAMINIDASE/BETA-GALACTOSIDASE EXPRESSION; CATHEPSIN A DEFICIENCY; PPCA DEFICIENCY; PROTECTIVE PROTEIN/CATHEPSIN A DEFICIENCY. Identifiers: Orphanet 351, MedGen C0268233, MONDO:0009737, OMIM 256540.

Allele frequency attached by ClinVar (database versions not stated): gnomAD exomes below 0.00001.
gnomAD v4.1: 2 of 1,614,146 alleles (0.00012%); highest among the groups gnomAD compares: Admixed American, 0.0033%; no homozygotes.

Submission:

Labcorp Genetics (formerly Invitae), Labcorp
Classification: Uncertain significance for Combined deficiency of sialidase AND beta galactosidase. Last evaluated: 2021-09-24. Review status: criteria provided, single submitter. Criteria: Invitae Variant Classification Sherloc (09022015). Collection method: clinical testing. Allele origin: germline.
Comment: This sequence change replaces valine with alanine at codon 96 of the CTSA protein (p.Val96Ala). The valine residue is moderately conserved and there is a small physicochemical difference between valine and alanine. This variant is not present in population databases (ExAC no frequency). This variant has not been reported in the literature in individuals affected with CTSA-related conditions. Algorithms developed to predict the effect of missense changes on protein structure and function are either unavailable or do not agree on the potential impact of this missense change (SIFT: "Not Available"; PolyPhen-2: "Possibly Damaging"; Align-GVGD: "Not Available"). In summary, the available evidence is currently insufficient to determine the role of this variant in disease. Therefore, it has been classified as a Variant of Uncertain Significance.

NM_000308.4(CTSA):c.233T>C (p.Val78Ala)

Gene: CTSA (cathepsin A; plus strand). Cytogenetic location: 20q13.12.
Variant type: single nucleotide variant.
Coding change: c.233T>C on transcript NM_000308.4 (MANE Select); coding-DNA position 233, T replaced by C.
Protein change: p.Val78Ala; replaces valine 78 with alanine.
Molecular consequence: missense variant. On other transcripts: non-coding transcript variant (1).
Genome position (GRCh38, 1-based): chr20:45,891,954, T>C. VCF-style: chr20-45891954-T-C. GRCh37 (hg19) VCF-style: chr20-44520593-T-C.
Other names: c.233T>C, p.Val78Ala (NM_001127695.3, NM_001167594.3); short protein forms V78A.
Identifiers: ClinVar variation 1414034 (VCV001414034.5), dbSNP rs1055279552, ClinGen allele CA315659477.